The following is an entry in ClinVar:

NM_001368882.1(COL13A1):c.916C>T (p.Arg306Trp)

Gene: COL13A1 (collagen type XIII alpha 1 chain; plus strand). Cytogenetic location: 10q22.1.
Variant type: single nucleotide variant.
Coding change: c.916C>T on transcript NM_001368882.1 (MANE Select); coding-DNA position 916, C replaced by T.
Protein change: p.Arg306Trp; replaces arginine 306 with tryptophan.
Molecular consequence: missense variant.
Genome position (GRCh38, 1-based): chr10:69,905,817, C>T. VCF-style: chr10-69905817-C-T. GRCh37 (hg19) VCF-style: chr10-71665573-C-T.
Other names: c.946C>T, p.Arg316Trp (NM_001130103.2); c.916C>T, p.Arg306Trp (NM_001320951.2, NM_001368884.1); c.880C>T, p.Arg294Trp (NM_001368883.1, NM_001368885.1, NM_080801.4 and 1 more transcripts); c.316C>T, p.Arg106Trp (NM_001368886.1); c.826C>T, p.Arg276Trp (NM_001368895.1); c.775C>T, p.Arg259Trp (NM_001368896.1, NM_001368898.1, NM_080798.4); c.802C>T, p.Arg268Trp (NM_001368897.1); c.889C>T, p.Arg297Trp (NM_080800.4); and 1 more; short protein forms R268W, R276W, R297W, R306W, R106W, R259W, R265W, R316W.
Identifiers: ClinVar variation 1522056 (VCV001522056.5), dbSNP rs780602652, ClinGen allele CA5534486.

ClinVar aggregate classification (germline): Uncertain significance (1 of 4 stars; one submission).

Allele frequency attached by ClinVar (database versions not stated): TOPMed below 0.00001; gnomAD 0.00001; ExAC 0.00003; gnomAD exomes 0.00003.
gnomAD v4.1: 40 of 1,613,562 alleles (0.0025%); highest among the groups gnomAD compares: South Asian, 0.0044%; no homozygotes.

Submission:

Labcorp Genetics (formerly Invitae), Labcorp
Classification: Uncertain significance. Last evaluated: 2023-05-23. Review status: criteria provided, single submitter. Criteria: Invitae Variant Classification Sherloc (09022015). Collection method: clinical testing. Allele origin: germline.
Comment: This variant has not been reported in the literature in individuals affected with COL13A1-related conditions. This sequence change replaces arginine, which is basic and polar, with tryptophan, which is neutral and slightly polar, at codon 316 of the COL13A1 protein (p.Arg316Trp). This variant is present in population databases (rs780602652, gnomAD 0.01%). ClinVar contains an entry for this variant (Variation ID: 1522056). An algorithm developed to predict the effect of missense changes on protein structure and function (PolyPhen-2) suggests that this variant is likely to be disruptive. In summary, the available evidence is currently insufficient to determine the role of this variant in disease. Therefore, it has been classified as a Variant of Uncertain Significance.